The following is an entry in ClinVar:

ClinVar aggregate classification (germline): Uncertain significance. Review status: criteria provided, multiple submitters, no conflicts (2 of 4 stars). 2 submissions from 2 submitters: Uncertain significance (2). Last evaluated 2024-07-08.

Conditions:
Hereditary cancer-predisposing syndrome. Also called: Hereditary neoplastic syndrome; Tumor predisposition; Neoplastic Syndromes, Hereditary; Hereditary Cancer Syndrome. Identifiers: Orphanet 140162, MedGen C0027672, MeSH D009386, MONDO:0015356.

Allele frequency attached by ClinVar (database versions not stated): gnomAD exomes below 0.00001; TOPMed below 0.00001; gnomAD 0.00001.

Submissions (2):

Labcorp Genetics (formerly Invitae), Labcorp
Classification: Uncertain significance. Last evaluated: 2024-07-08. Review status: criteria provided, single submitter. Criteria: Invitae Variant Classification Sherloc (09022015). Collection method: clinical testing. Allele origin: germline.
Comment: This sequence change replaces asparagine, which is neutral and polar, with aspartic acid, which is acidic and polar, at codon 751 of the POLE protein (p.Asn751Asp). This variant is not present in population databases (gnomAD no frequency). This variant has not been reported in the literature in individuals affected with POLE-related conditions. ClinVar contains an entry for this variant (Variation ID: 572026). Advanced modeling of protein sequence and biophysical properties (such as structural, functional, and spatial information, amino acid conservation, physicochemical variation, residue mobility, and thermodynamic stability) performed at Invitae indicates that this missense variant is expected to disrupt POLE protein function with a positive predictive value of 80%. In summary, the available evidence is currently insufficient to determine the role of this variant in disease. Therefore, it has been classified as a Variant of Uncertain Significance.

Ambry Genetics
Classification: Uncertain significance for Hereditary cancer-predisposing syndrome. Last evaluated: 2023-10-13. Review status: criteria provided, single submitter. Criteria: Ambry Variant Classification Scheme 2023. Collection method: clinical testing. Allele origin: germline.
Comment: The p.N751D variant (also known as c.2251A>G), located in coding exon 20 of the POLE gene, results from an A to G substitution at nucleotide position 2251. The asparagine at codon 751 is replaced by aspartic acid, an amino acid with highly similar properties. This amino acid position is conserved. In addition, this alteration is predicted to be tolerated by in silico analysis. Since supporting evidence is limited at this time, the clinical significance of this alteration remains unclear.

NM_006231.4(POLE):c.2251A>G (p.Asn751Asp)

Gene: POLE (DNA polymerase epsilon, catalytic subunit; minus strand). Cytogenetic location: 12q24.33.
Variant type: single nucleotide variant.
Coding change: c.2251A>G on transcript NM_006231.4 (MANE Select); coding-DNA position 2251, A replaced by G.
Protein change: p.Asn751Asp; replaces asparagine 751 with aspartic acid.
Molecular consequence: missense variant.
Genome position (GRCh38, 1-based): chr12:132,667,571, T>C on the plus strand (A>G on the coding strand, the complement: POLE is on the minus strand). VCF-style: chr12-132667571-T-C. GRCh37 (hg19) VCF-style: chr12-133244157-T-C.
Other names: short protein forms N751D.
Identifiers: ClinVar variation 572026 (VCV000572026.12), dbSNP rs1565964683, ClinGen allele CA387352211.